The following is an entry in ClinVar:

ClinVar aggregate classification (germline): Likely benign (0 of 4 stars; one submission).

Conditions:
KIFAP3-related disorder. Also called: KIFAP3-related condition.

Allele frequency attached by ClinVar (database versions not stated): gnomAD 0.00007; TOPMed 0.00009; gnomAD exomes 0.00010.
gnomAD v4.1: 152 of 1,534,970 alleles (0.0099%); highest among the groups gnomAD compares: Middle Eastern, 0.033%; 1 homozygote.

Submission:

PreventionGenetics, part of Exact Sciences
Classification: Likely benign for KIFAP3-related condition. Last evaluated: 2019-08-13. Review status: no assertion criteria provided. Collection method: clinical testing. Allele origin: germline.
Comment: This variant is classified as likely benign based on ACMG/AMP sequence variant interpretation guidelines (Richards et al. 2015 PMID: 25741868, with internal and published modifications).

NM_014970.4(KIFAP3):c.320-2450T>C

Gene: KIFAP3 (kinesin associated protein 3; minus strand). Cytogenetic location: 1q24.2.
Variant type: single nucleotide variant.
Coding change: c.320-2450T>C on transcript NM_014970.4 (MANE Select); 2450 bases into the intron before coding-DNA position 320, T replaced by C.
Molecular consequence: intron variant. On other transcripts: synonymous variant (1).
Genome position (GRCh38, 1-based): chr1:170,041,738, A>G on the plus strand (T>C on the coding strand, the complement: KIFAP3 is on the minus strand). VCF-style: chr1-170041738-A-G. GRCh37 (hg19) VCF-style: chr1-170010879-A-G.
Other names: c.24T>C, p.Thr8= (NM_001204514.2); c.188-2450T>C (NM_001204516.2); c.320-2450T>C (NM_001375830.1, NM_001375831.1); c.200-2450T>C (NM_001204517.2).
Identifiers: ClinVar variation 3052816 (VCV003052816.2), dbSNP rs1019209558, ClinGen allele CA32598454.